The following is an entry in ClinVar:

NM_000540.3(RYR1):c.12899C>T (p.Ala4300Val)

Gene: RYR1 (ryanodine receptor 1; plus strand). Cytogenetic location: 19q13.2.
Variant type: single nucleotide variant.
Coding change: c.12899C>T on transcript NM_000540.3 (MANE Select); coding-DNA position 12899, C replaced by T.
Protein change: p.Ala4300Val; replaces alanine 4300 with valine.
Molecular consequence: missense variant.
Genome position (GRCh38, 1-based): chr19:38,565,233, C>T. VCF-style: chr19-38565233-C-T. GRCh37 (hg19) VCF-style: chr19-39055873-C-T.
Other names: c.12884C>T, p.Ala4295Val (NM_001042723.2); short protein forms A4300V, A4295V.
Identifiers: ClinVar variation 2895806 (VCV002895806.4), dbSNP rs1263187768, ClinGen allele CA405672501.

ClinVar aggregate classification (germline): Uncertain significance. Review status: criteria provided, multiple submitters, no conflicts (2 of 4 stars). 2 submissions from 2 submitters: Uncertain significance (2). Last evaluated 2026-06-04.

Conditions:
RYR1-related disorder. Also called: RYR1-related disorders; RYR1-related condition. Identifiers: MedGen CN239331.
Inborn genetic diseases. Identifiers: MedGen C0950123, MeSH D030342.

Submissions (2):

Ambry Genetics
Classification: Uncertain significance for Inborn genetic diseases. Last evaluated: 2026-06-04. Review status: criteria provided, single submitter. Criteria: Ambry Variant Classification Scheme 2023. Collection method: clinical testing. Allele origin: germline.

Labcorp Genetics (formerly Invitae), Labcorp
Classification: Uncertain significance for RYR1-related disorder. Last evaluated: 2025-02-19. Review status: criteria provided, single submitter. Criteria: Invitae Variant Classification Sherloc (09022015). Collection method: clinical testing. Allele origin: germline.
Comment: This sequence change replaces alanine, which is neutral and non-polar, with valine, which is neutral and non-polar, at codon 4300 of the RYR1 protein (p.Ala4300Val). The frequency data for this variant in the population databases is considered unreliable, as metrics indicate insufficient coverage at this position in the gnomAD database. This variant has not been reported in the literature in individuals affected with RYR1-related conditions. ClinVar contains an entry for this variant (Variation ID: 2895806). Invitae Evidence Modeling of protein sequence and biophysical properties (such as structural, functional, and spatial information, amino acid conservation, physicochemical variation, residue mobility, and thermodynamic stability) indicates that this missense variant is not expected to disrupt RYR1 protein function with a negative predictive value of 80%. In summary, the available evidence is currently insufficient to determine the role of this variant in disease. Therefore, it has been classified as a Variant of Uncertain Significance.